The following is an entry in ClinVar:

ClinVar aggregate classification (germline): Uncertain significance (1 of 4 stars; one submission).

Submission:

GeneDx
Classification: Uncertain significance. Last evaluated: 2025-08-01. Review status: criteria provided, single submitter. Criteria: GeneDx Variant Classification Process June 2021. Collection method: clinical testing. Allele origin: germline. Affected: yes.
Comment: Not observed at significant frequency in large population cohorts (gnomAD); In silico analysis supports that this missense variant has a deleterious effect on protein structure/function; Has not been previously published as pathogenic or benign to our knowledge

NM_000540.3(RYR1):c.3830G>A (p.Gly1277Asp)

Gene: RYR1 (ryanodine receptor 1; plus strand). Cytogenetic location: 19q13.2.
Variant type: single nucleotide variant.
Coding change: c.3830G>A on transcript NM_000540.3 (MANE Select); coding-DNA position 3830, G replaced by A.
Protein change: p.Gly1277Asp; replaces glycine 1277 with aspartic acid.
Molecular consequence: missense variant.
Genome position (GRCh38, 1-based): chr19:38,473,441, G>A. VCF-style: chr19-38473441-G-A. GRCh37 (hg19) VCF-style: chr19-38964081-G-A.
Other names: c.3830G>A, p.Gly1277Asp (NM_001042723.2); short protein forms G1277D.
Identifiers: ClinVar variation 4690135 (VCV004690135.1).